The following is an entry in ClinVar:

ClinVar aggregate classification (germline): Pathogenic/Likely pathogenic. Review status: criteria provided, multiple submitters, no conflicts (2 of 4 stars). 9 submissions from 9 submitters: Pathogenic (7); Likely pathogenic (2). Last evaluated 2025-12-02.

Conditions:
RAF1-related disorder. Also called: RAF1-related condition; RAF1-related disorders.
RASopathy. Also called: rasopathies; Noonan spectrum disorder. Identifiers: Orphanet 536391, MedGen C5555857, MONDO:0021060.
Noonan syndrome (NS). Also called: Noonan's syndrome. Identifiers: Orphanet 648, MedGen C0028326, MeSH D009634, MONDO:0018997. Disease mechanism: gain of function.
Noonan syndrome 5 (NS5). Also called: RAF1-Related Noonan Syndrome. Identifiers: Orphanet 648, MedGen C1969057, MONDO:0012690, OMIM 611553. Disease mechanism: gain of function.

Submissions (9):

Victorian Clinical Genetics Services, Murdoch Childrens Research Institute
Classification: Pathogenic for Noonan syndrome 5. Last evaluated: 2025-12-02. Review status: criteria provided, single submitter. Criteria: ACMG Guidelines, 2015. Collection method: clinical testing. Allele origin: germline. Affected: yes.
Comment: This variant is classified as Pathogenic. Evidence in support of pathogenic classification: Variant is absent from gnomAD (v2, v3 and v4); This variant has strong previous evidence of pathogenicity in unrelated individuals. This variant has been classified as pathogenic and likely pathogenic by multiple clinical laboratories in ClinVar. It has also been reported in the literature in individuals with Noonan syndrome, including de novo reports (PMIDs: 35979676, 23885229, 32059087); Missense variant predicted to be damaging by in silico tool(s) or highly conserved with a major amino acid change; Additional information: Variant is predicted to result in a missense amino acid change from Asp to Gly; This variant is heterozygous; This gene is associated with autosomal dominant disease; Alternative amino acid change(s) at the same position are present in gnomAD (highest allele count: v4: 1 heterozygote(s), 0 homozygote(s)). - Variant is located in the annotated protein tyrosine and serine/threonine kinase domain (DECIPHER). - Loss of function and gain of function are known mechanisms of disease in this gene. Gain of function is associated with Noonan (MIM#611553) and LEOPARD syndromes (MIM#2611554), while loss of function is associated with non-HCM-associated variants (PMIDs: 17603483, 17603482).

Labcorp Genetics (formerly Invitae), Labcorp
Classification: Pathogenic for RASopathy. Last evaluated: 2025-09-06. Review status: criteria provided, single submitter. Criteria: Invitae Variant Classification Sherloc (09022015). Collection method: clinical testing. Allele origin: germline.
Comment: This sequence change replaces aspartic acid, which is acidic and polar, with glycine, which is neutral and non-polar, at codon 486 of the RAF1 protein (p.Asp486Gly). This variant is not present in population databases (gnomAD no frequency). This missense change has been observed in individual(s) with Noonan syndrome (PMID: 17603483, 23885229, 25862627). In at least one individual the variant was observed to be de novo. ClinVar contains an entry for this variant (Variation ID: 40618). Invitae Evidence Modeling incorporating data from in vitro experimental studies (internal data) indicates that this missense variant is expected to disrupt RAF1 function with a positive predictive value of 95%. For these reasons, this variant has been classified as Pathogenic.

GeneDx
Classification: Pathogenic. Last evaluated: 2025-02-27. Review status: criteria provided, single submitter. Criteria: GeneDx Variant Classification Process June 2021. Collection method: clinical testing. Allele origin: germline. Affected: yes.
Comment: Not observed at significant frequency in large population cohorts (gnomAD); Missense variants in this gene are a common cause of disease and they are underrepresented in the general population; In silico analysis supports that this missense variant has a deleterious effect on protein structure/function; This variant is associated with the following publications: (PMID: 23885229, 23093928, 25862627, 24803665, 17603483, 35979676, 32059087, 24957944, 9689060, 15520807, 17603482, 29493581, 19020799)

3billion
Classification: Pathogenic for Noonan syndrome 5. Last evaluated: 2024-06-28. Review status: criteria provided, single submitter. Criteria: ACMG Guidelines, 2015. Collection method: clinical testing. Allele origin: germline. Affected: yes.
Comment: The variant is not observed in the gnomAD v4.0.0 dataset. Predicted Consequence/Location: The variant is located in a mutational hot spot and/or well-established functional domain in which established pathogenic variants have been reported (PMID: 29493581). Missense changes are a common disease-causing mechanism. In silico tool predictions suggest damaging effect of the variant on gene or gene product [REVEL: 0.99 (>=0.6, sensitivity 0.68 and specificity 0.92); 3Cnet: 0.85 (>=0.6, sensitivity 0.72 and precision 0.9)]. The same nucleotide change resulting in the same amino acid change has been previously reported as pathogenic/likely pathogenic with strong evidence (ClinVar ID: VCV000040618 /PMID: 17603483). A different missense change at the same codon (p.Asp486Asn) has been reported to be associated with RAF1-related disorder (PMID: 17603483). Therefore, this variant is classified as Pathogenic according to the recommendation of ACMG/AMP guideline.

Institute for Clinical Genetics, University Hospital TU Dresden, University Hospital TU Dresden
Classification: Pathogenic for Noonan syndrome 5. Last evaluated: 2024-04-17. Review status: criteria provided, single submitter. Criteria: ACMG Guidelines, 2015. Collection method: clinical testing. Allele origin: germline. Affected: yes.
Comment: The above-mentioned missense variant in the RAF1 gene (NM_002880.4:c.1457A>G, p.(Asp486Gly)) leads to an amino acid exchange at position 486 in the corresponding protein due to a base exchange at position 1457 of the cDNA. This variant has been classified as (probably) pathogenic 4 times in the ClinVar database. In addition, the variant has already been reported several times in the literature as the cause of Noonan syndrome (PMIDs: 17603483, 23885229, 25862627), with at least one case occurring de novo (PMID: 17603483). Bioinformatically, the gene has a generally increased sensitivity to missense variants (Z-score 3.42) and a gain-of-function effect due to missense variants is known as a pathomechanism for Noonan syndrome. The variant is located in the activation segment of the kinase domain (PMID: 17603483, PMID: 22826437). Bioinformatic prediction algorithms estimate the effect of the variant on protein function as damaging (REVEL score 0.99), which has not yet been confirmed by functional studies. Another variant at the same amino acid position is known to be the cause of Noonan syndrome (p.(Asp486Asn)), whereby impaired kinase activity was shown for this variant, which contradicts a gain-of-function effect (PMID: 17603483). However, these results could not be confirmed in a further study with this variant in a knock-in mouse model (PMID: 22826437). The pathomechanism for this variant has not been conclusively clarified. This variant has not yet been found in healthy individuals in the gnomAD database. According to current ACMG recommendations for variant evaluation (PMID 25741868), the criteria PS4_MOD, PM2_SUP, PM5_SUP, PM6 and PP3_STR are fulfilled, resulting in an evaluation as a pathogenic variant (ACMG class 5).

Greenwood Genetic Center Diagnostic Laboratories, Greenwood Genetic Center
Classification: Pathogenic for RAF1-related disorder. Last evaluated: 2024-03-26. Review status: criteria provided, single submitter. Criteria: ACMG Guidelines, 2015. Collection method: clinical testing. Allele origin: germline. Affected: yes.
Comment: PS2, PS4_Moderate, PM1, PM2, PM5, PP2, PP3

Blueprint Genetics
Classification: Likely pathogenic for RAF1-related disorders. Last evaluated: 2023-07-03. Review status: criteria provided, single submitter. Criteria: ACMG Guidelines, 2015. Collection method: clinical testing. Allele origin: germline. Affected: yes. Observed: 1 variant allele.

Eurofins Ntd Llc (ga)
Classification: Pathogenic. Last evaluated: 2018-07-03. Review status: criteria provided, single submitter. Criteria: EGL ClinVar v180209 classification definitions. Collection method: clinical testing. Allele origin: germline. Observed: 2 variant alleles, 2 heterozygotes.

Laboratory for Molecular Medicine, Mass General Brigham Personalized Medicine
Classification: Likely pathogenic for Noonan syndrome. Last evaluated: 2016-02-11. Review status: criteria provided, single submitter. Criteria: LMM Criteria. Collection method: clinical testing. Allele origin: germline. Inheritance: Autosomal dominant inheritance. Observed: 1 variant allele.
Comment: proposed classification - variant undergoing re-assessment, contact laboratory

Literature cited by the submitters: PubMed 35979676 (cited by Victorian Clinical Genetics Services, Murdoch Childrens Research Institute); PubMed 32059087 (cited by Victorian Clinical Genetics Services, Murdoch Childrens Research Institute); PubMed 17603482 (cited by Victorian Clinical Genetics Services, Murdoch Childrens Research Institute); PubMed 17603483 (cited by 4 submitters); PubMed 23885229 (cited by Victorian Clinical Genetics Services, Murdoch Childrens Research Institute and Labcorp Genetics (formerly Invitae), Labcorp); PubMed 25862627 (cited by Labcorp Genetics (formerly Invitae), Labcorp).

NM_002880.4(RAF1):c.1457A>G (p.Asp486Gly)

Gene: RAF1 (Raf-1 proto-oncogene, serine/threonine kinase; minus strand). Cytogenetic location: 3p25.2.
Variant type: single nucleotide variant.
Coding change: c.1457A>G on transcript NM_002880.4 (MANE Select); coding-DNA position 1457, A replaced by G.
Protein change: p.Asp486Gly; replaces aspartic acid 486 with glycine.
Molecular consequence: missense variant. On other transcripts: non-coding transcript variant (3).
Genome position (GRCh38, 1-based): chr3:12,585,760, T>C on the plus strand (A>G on the coding strand, the complement: RAF1 is on the minus strand). VCF-style: chr3-12585760-T-C. GRCh37 (hg19) VCF-style: chr3-12627259-T-C.
Other names: c.1517A>G, p.Asp506Gly (NM_001354689.3); c.1457A>G, p.Asp486Gly (NM_001354690.3); c.1214A>G, p.Asp405Gly (NM_001354691.3, NM_001354692.3); c.1358A>G, p.Asp453Gly (NM_001354693.3); c.1274A>G, p.Asp425Gly (NM_001354694.3); c.1115A>G, p.Asp372Gly (NM_001354695.3); short protein forms D486G, D506G, D405G, D425G, D372G, D453G.
Identifiers: ClinVar variation 40618 (VCV000040618.26), dbSNP rs397516815, ClinGen allele CA261610.